The following is an entry in ClinVar:

ClinVar aggregate classification (germline): Uncertain significance (1 of 4 stars; one submission).

Conditions:
Cardiovascular phenotype. Identifiers: MedGen CN230736.

Submission:

Ambry Genetics
Classification: Uncertain significance for Cardiovascular phenotype. Last evaluated: 2025-10-14. Review status: criteria provided, single submitter. Criteria: Ambry Variant Classification Scheme 2023. Collection method: clinical testing. Allele origin: germline.
Comment: The p.H683Y variant (also known as c.2047C>T), located in coding exon 17 of the ACTN2 gene, results from a C to T substitution at nucleotide position 2047. The histidine at codon 683 is replaced by tyrosine, an amino acid with similar properties. This amino acid position is conserved. In addition, this alteration is predicted to be tolerated by in silico analysis. Based on the available evidence, the clinical significance of this variant remains unclear.

NM_001103.4(ACTN2):c.2047C>T (p.His683Tyr)

Gene: ACTN2 (actinin alpha 2; plus strand). Cytogenetic location: 1q43.
Variant type: single nucleotide variant.
Coding change: c.2047C>T on transcript NM_001103.4 (MANE Select); coding-DNA position 2047, C replaced by T.
Protein change: p.His683Tyr; replaces histidine 683 with tyrosine.
Molecular consequence: missense variant. On other transcripts: non-coding transcript variant (1).
Genome position (GRCh38, 1-based): chr1:236,755,091, C>T. VCF-style: chr1-236755091-C-T. GRCh37 (hg19) VCF-style: chr1-236918391-C-T.
Other names: c.2047C>T, p.His683Tyr (NM_001278343.2); short protein forms H683Y.
Identifiers: ClinVar variation 4613359 (VCV004613359.1).